The following is an entry in ClinVar:

NM_002382.5(MAX):c.58T>C (p.Ser20Pro)

Gene: MAX (MYC associated transcriptional regulator X; minus strand). Cytogenetic location: 14q23.3.
Variant type: single nucleotide variant.
Coding change: c.58T>C on transcript NM_002382.5 (MANE Select); coding-DNA position 58, T replaced by C.
Protein change: p.Ser20Pro; replaces serine 20 with proline.
Molecular consequence: missense variant. On other transcripts: 5 prime UTR variant (1), intron variant (3).
Genome position (GRCh38, 1-based): chr14:65,101,551, A>G on the plus strand (T>C on the coding strand, the complement: MAX is on the minus strand). VCF-style: chr14-65101551-A-G. GRCh37 (hg19) VCF-style: chr14-65568269-A-G.
Other names: c.-217T>C (NM_001320415.2); c.58T>C, p.Ser20Pro (NM_145113.3, NM_145114.3, NM_197957.4); c.36+753T>C (NM_001271069.2, NM_145112.3, NM_001271068.2); c.58T>C (NM_002382.3); short protein forms S20P.
Identifiers: ClinVar variation 1056697 (VCV001056697.10), dbSNP rs2063833930, ClinGen allele CA390038716.

ClinVar aggregate classification (germline): Uncertain significance. Review status: criteria provided, multiple submitters, no conflicts (2 of 4 stars). 2 submissions from 2 submitters: Uncertain significance (2). Last evaluated 2025-09-16.

Conditions:
Hereditary cancer-predisposing syndrome. Also called: Tumor predisposition; Neoplastic Syndromes, Hereditary; Hereditary Cancer Syndrome; Hereditary neoplastic syndrome. Identifiers: Orphanet 140162, MedGen C0027672, MeSH D009386, MONDO:0015356.
Hereditary pheochromocytoma and paraganglioma. Also called: Hereditary paragangliomas and pheochromocytomas; Hereditary pheochromocytoma-paraganglioma; Hereditary Paraganglioma-Pheochromocytoma Syndromes. Identifiers: Orphanet 29072, MedGen C4274332, MONDO:0017366.

Allele frequency attached by ClinVar (database versions not stated): TOPMed below 0.00001.

Submissions (2):

Ambry Genetics
Classification: Uncertain significance for Hereditary cancer-predisposing syndrome. Last evaluated: 2025-09-16. Review status: criteria provided, single submitter. Criteria: Ambry Variant Classification Scheme 2023. Collection method: clinical testing. Allele origin: germline.
Comment: The p.S20P variant (also known as c.58T>C), located in coding exon 2 of the MAX gene, results from a T to C substitution at nucleotide position 58. The serine at codon 20 is replaced by proline, an amino acid with similar properties. This amino acid position is well conserved in available vertebrate species. In addition, the in silico prediction for this alteration is inconclusive. Based on the available evidence, the clinical significance of this variant remains unclear.

Labcorp Genetics (formerly Invitae), Labcorp
Classification: Uncertain significance for Hereditary pheochromocytoma and paraganglioma. Last evaluated: 2020-07-02. Review status: criteria provided, single submitter. Criteria: Invitae Variant Classification Sherloc (09022015). Collection method: clinical testing. Allele origin: germline.
Comment: In summary, the available evidence is currently insufficient to determine the role of this variant in disease. Therefore, it has been classified as a Variant of Uncertain Significance. Algorithms developed to predict the effect of missense changes on protein structure and function (SIFT, PolyPhen-2, Align-GVGD) all suggest that this variant is likely to be tolerated, but these predictions have not been confirmed by published functional studies and their clinical significance is uncertain. This variant has not been reported in the literature in individuals with MAX-related conditions. This variant is not present in population databases (ExAC no frequency). This sequence change replaces serine with proline at codon 20 of the MAX protein (p.Ser20Pro). The serine residue is moderately conserved and there is a moderate physicochemical difference between serine and proline.